The following is an entry in ClinVar:

NC_000015.9:g.(?_80450392)_(80454688_?)del

Gene: FAH (fumarylacetoacetate hydrolase; plus strand). Cytogenetic location: 15q25.1.
Variant type: Deletion.
Identifiers: ClinVar variation 1459306 (VCV001459306.6).

ClinVar aggregate classification (germline): Pathogenic (1 of 4 stars; one submission).

Conditions:
Tyrosinemia type I (TYRSN1). Also called: HEPATORENAL TYROSINEMIA; FAH DEFICIENCY; Tyrosinemia type 1; Fumarylacetoacetase deficiency; Deficiency of fumarylacetoacetase. Identifiers: Orphanet 882, MedGen C0268490, MONDO:0010161, OMIM 276700. Disease mechanism: loss of function.

Submission:

Labcorp Genetics (formerly Invitae), Labcorp
Classification: Pathogenic for Tyrosinemia type I. Last evaluated: 2021-05-07. Review status: criteria provided, single submitter. Criteria: Invitae Variant Classification Sherloc (09022015). Collection method: clinical testing. Allele origin: germline.
Comment: For these reasons, this variant has been classified as Pathogenic. This variant has not been reported in the literature in individuals with FAH-related conditions. This variant is a gross deletion of the genomic region encompassing exon(s) 2-5 of the FAH gene. This deletion is out-of-frame, and is expected to create a premature translational stop signal and result in an absent or disrupted protein product. Loss-of-function variants in FAH are known to be pathogenic (PMID: 9101289, 9633815).

Literature cited by the submitters: PubMed 9101289; PubMed 9633815.